The following is an entry in ClinVar:

ClinVar aggregate classification (germline): Uncertain significance (1 of 4 stars; one submission).

Conditions:
Perlman syndrome (PRLMNS). Identifiers: Orphanet 2849, MedGen C0796113, MONDO:0009965, OMIM 267000.

Submission:

Labcorp Genetics (formerly Invitae), Labcorp
Classification: Uncertain significance for Perlman syndrome. Last evaluated: 2023-08-24. Review status: criteria provided, single submitter. Criteria: Invitae Variant Classification Sherloc (09022015). Collection method: clinical testing. Allele origin: germline.
Comment: In summary, the available evidence is currently insufficient to determine the role of this variant in disease. Therefore, it has been classified as a Variant of Uncertain Significance. Advanced modeling of protein sequence and biophysical properties (such as structural, functional, and spatial information, amino acid conservation, physicochemical variation, residue mobility, and thermodynamic stability) performed at Invitae indicates that this missense variant is not expected to disrupt DIS3L2 protein function. ClinVar contains an entry for this variant (Variation ID: 2079936). This variant has not been reported in the literature in individuals affected with DIS3L2-related conditions. This variant is not present in population databases (gnomAD no frequency). This sequence change replaces serine, which is neutral and polar, with asparagine, which is neutral and polar, at codon 493 of the DIS3L2 protein (p.Ser493Asn).

NM_152383.5(DIS3L2):c.1478G>A (p.Ser493Asn)

Gene: DIS3L2 (DIS3 like 3'-5' exoribonuclease 2; plus strand). Cytogenetic location: 2q37.1.
Variant type: single nucleotide variant.
Coding change: c.1478G>A on transcript NM_152383.5 (MANE Select); coding-DNA position 1478, G replaced by A.
Protein change: p.Ser493Asn; replaces serine 493 with asparagine.
Molecular consequence: missense variant. On other transcripts: non-coding transcript variant (2).
Genome position (GRCh38, 1-based): chr2:232,263,259, G>A. VCF-style: chr2-232263259-G-A. GRCh37 (hg19) VCF-style: chr2-233127969-G-A.
Other names: c.1478G>A, p.Ser493Asn (NM_001257281.2); short protein forms S493N.
Identifiers: ClinVar variation 2079936 (VCV002079936.4), dbSNP rs2470079093, ClinGen allele CA350975285.